The following is an entry in ClinVar:

ClinVar aggregate classification (germline): Uncertain significance (1 of 4 stars; one submission).

Submission:

Women's Health and Genetics/Laboratory Corporation of America, LabCorp
Classification: Uncertain significance. Last evaluated: 2025-06-23. Review status: criteria provided, single submitter. Criteria: LabCorp Variant Classification Summary - May 2015. Collection method: clinical testing. Allele origin: germline.
Comment: Variant summary: APC c.4196G>T (p.Arg1399Leu) results in a non-conservative amino acid change in the encoded protein sequence. Algorithms developed to predict the effect of missense changes on protein structure and function are either unavailable or do not agree on the potential impact of this missense change. The variant was absent in 250986 control chromosomes. The available data on variant occurrences in the general population are insufficient to allow any conclusion about variant significance. To our knowledge, no occurrence of c.4196G>T in individuals affected with Familial Adenomatous Polyposis and no experimental evidence demonstrating its impact on protein function have been reported. No submitters have cited clinical-significance assessments for this variant to ClinVar. Based on the evidence outlined above, the variant was classified as uncertain significance.

NM_000038.6(APC):c.4196G>T (p.Arg1399Leu)

Gene: APC (APC regulator of Wnt signaling pathway; plus strand). Cytogenetic location: 5q22.2.
Variant type: single nucleotide variant.
Coding change: c.4196G>T on transcript NM_000038.6 (MANE Select); coding-DNA position 4196, G replaced by T.
Protein change: p.Arg1399Leu; replaces arginine 1399 with leucine.
Molecular consequence: missense variant. On other transcripts: non-coding transcript variant (2).
Genome position (GRCh38, 1-based): chr5:112,839,790, G>T. VCF-style: chr5-112839790-G-T. GRCh37 (hg19) VCF-style: chr5-112175487-G-T.
Other names: c.4196G>T, p.Arg1399Leu (NM_001127510.3, NM_001354895.2, NM_001407450.1); c.4142G>T, p.Arg1381Leu (NM_001127511.3); c.4250G>T, p.Arg1417Leu (NM_001354896.2, NM_001407447.1, NM_001407448.1 and 1 more transcripts); c.4226G>T, p.Arg1409Leu (NM_001354897.2); c.4121G>T, p.Arg1374Leu (NM_001354898.2); c.4112G>T, p.Arg1371Leu (NM_001354899.2); c.4073G>T, p.Arg1358Leu (NM_001354900.2); c.4019G>T, p.Arg1340Leu (NM_001354901.2, NM_001407453.1); and 11 more; short protein forms R1015L, R1116L, R1239L, R1270L, R1273L, R1298L, R1308L, R1316L.
Identifiers: ClinVar variation 3907591 (VCV003907591.1).